The following is an entry in ClinVar:

ClinVar aggregate classification (germline): Uncertain significance (1 of 4 stars; one submission).

Conditions:
Regional enteritis. Also called: Enteritis, Granulomatous. Identifiers: MedGen C0678202, MeSH D003424.
Blau syndrome (BLAUS). Also called: GRANULOMATOSIS, FAMILIAL JUVENILE SYSTEMIC; GRANULOMATOSIS, FAMILIAL, BLAU TYPE; GRANULOMATOUS INFLAMMATORY ARTHRITIS, DERMATITIS, AND UVEITIS, FAMILIAL; JABS SYNDROME; ARTHROCUTANEOUVEAL GRANULOMATOSIS. Identifiers: Orphanet 90340, MedGen C5201146, MONDO:0008523, OMIM 186580.

Allele frequency attached by ClinVar (database versions not stated): ExAC 0.00001; gnomAD 0.00001.
gnomAD v4.1: 11 of 1,613,688 alleles (0.00068%); highest among the groups gnomAD compares: Non-Finnish European, 0.00093%; no homozygotes.

Submission:

Labcorp Genetics (formerly Invitae), Labcorp
Classification: Uncertain significance for Regional enteritis; Blau syndrome. Last evaluated: 2024-10-22. Review status: criteria provided, single submitter. Criteria: Invitae Variant Classification Sherloc (09022015). Collection method: clinical testing. Allele origin: germline.
Comment: This sequence change replaces histidine, which is basic and polar, with aspartic acid, which is acidic and polar, at codon 126 of the NOD2 protein (p.His126Asp). This variant is present in population databases (rs781448444, gnomAD 0.002%). This variant has not been reported in the literature in individuals affected with NOD2-related conditions. ClinVar contains an entry for this variant (Variation ID: 859623). Invitae Evidence Modeling of protein sequence and biophysical properties (such as structural, functional, and spatial information, amino acid conservation, physicochemical variation, residue mobility, and thermodynamic stability) indicates that this missense variant is not expected to disrupt NOD2 protein function with a negative predictive value of 95%. In summary, the available evidence is currently insufficient to determine the role of this variant in disease. Therefore, it has been classified as a Variant of Uncertain Significance.

NM_001370466.1(NOD2):c.295C>G (p.His99Asp)

Gene: NOD2 (nucleotide binding oligomerization domain containing 2; plus strand). Cytogenetic location: 16q12.1.
Variant type: single nucleotide variant.
Coding change: c.295C>G on transcript NM_001370466.1 (MANE Select); coding-DNA position 295, C replaced by G.
Protein change: p.His99Asp; replaces histidine 99 with aspartic acid.
Molecular consequence: missense variant. On other transcripts: non-coding transcript variant (1).
Genome position (GRCh38, 1-based): chr16:50,699,790, C>G. VCF-style: chr16-50699790-C-G. GRCh37 (hg19) VCF-style: chr16-50733701-C-G.
Other names: c.295C>G, p.His99Asp (NM_001293557.2); c.376C>G, p.His126Asp (NM_022162.3); short protein forms H126D, H99D.
Identifiers: ClinVar variation 859623 (VCV000859623.46), dbSNP rs781448444, ClinGen allele CA8051264.
Genomic context (GRCh38, chr16:50,699,790, plus strand): 5'-GCTGCCCAAGAAGCCCAGGCCGACAGCCAGTCCCCCAAGCTGCATGGCTGCTGGGACCCC[C>G]ACTCGCTCCACCCAGCCCGAGACCTGCAGAGTCACCGGCCAGCCATTGTCAGGAGGCTCC-3'
Protein context (NP_001357395.1, residues 89-109): SPKLHGCWDP[His99Asp]SLHPARDLQS